The following is an entry in ClinVar:

ClinVar aggregate classification (germline): Pathogenic (1 of 4 stars; one submission).

Allele frequency attached by ClinVar (database versions not stated): TOPMed below 0.00001.

Submission:

GeneDx
Classification: Pathogenic. Last evaluated: 2023-05-08. Review status: criteria provided, single submitter. Criteria: GeneDx Variant Classification Process June 2021. Collection method: clinical testing. Allele origin: germline. Affected: yes.
Comment: Reported in a patient with sensorineural hearing loss in published literature (Wu et al., 2019); Observed with a pathogenic variant on the opposite allele (in trans) in siblings with congenital sensorineural hearing loss referred for genetic testing at GeneDx; Canonical splice site variant predicted to result in a null allele in a gene for which loss-of-function is a known mechanism of disease; A different nucleotide change at this same canonical splice site (c.592+1G>T) has been reported as pathogenic in the published literature in association with Usher syndrome (Jacobson et al., 2008); Not observed at significant frequency in large population cohorts (gnomAD); This variant is associated with the following publications: (PMID: 31581539, 18463160)

NM_000260.4(MYO7A):c.592+1G>A

Gene: MYO7A (myosin VIIA; plus strand). Cytogenetic location: 11q13.5.
Variant type: single nucleotide variant.
Coding change: c.592+1G>A on transcript NM_000260.4 (MANE Select); the canonical splice donor site of the intron after coding-DNA position 592, G replaced by A.
Molecular consequence: splice donor variant.
Genome position (GRCh38, 1-based): chr11:77,156,782, G>A. VCF-style: chr11-77156782-G-A. GRCh37 (hg19) VCF-style: chr11-76867828-G-A.
Other names: c.559+1G>A (NM_001369365.1); c.592+1G>A (NM_001127180.2).
Identifiers: ClinVar variation 2501575 (VCV002501575.1), dbSNP rs1206865525, ClinGen allele CA381932000.
Genomic context (GRCh38, chr11:77,156,782, plus strand): 5'-TCAGTGGGCAGCACTCGTGGATTGAGCAGCAGGTCTTGGAGGCCACCCCCATTCTGGAAG[G>A]TAGGACCAGAGTTCCGAGGGTGGGACCAGGCAGTGGGGCGGGAGCGGGCTTTGCCAGTGA-3'